The following is an entry in ClinVar:

ClinVar aggregate classification (germline): Uncertain significance (1 of 4 stars; one submission).

Allele frequency attached by ClinVar (database versions not stated): gnomAD 0.00001; TOPMed 0.00001.
gnomAD v4.1: 13 of 1,602,674 alleles (0.00081%); highest among the groups gnomAD compares: Non-Finnish European, 0.0011%; no homozygotes.

Submission:

Labcorp Genetics (formerly Invitae), Labcorp
Classification: Uncertain significance. Last evaluated: 2022-03-12. Review status: criteria provided, single submitter. Criteria: Invitae Variant Classification Sherloc (09022015). Collection method: clinical testing. Allele origin: germline.
Comment: This sequence change replaces methionine, which is neutral and non-polar, with valine, which is neutral and non-polar, at codon 199 of the SLC18A3 protein (p.Met199Val). This variant is not present in population databases (gnomAD no frequency). This variant has not been reported in the literature in individuals affected with SLC18A3-related conditions. Algorithms developed to predict the effect of missense changes on protein structure and function are either unavailable or do not agree on the potential impact of this missense change (SIFT: "Deleterious"; PolyPhen-2: "Possibly Damaging"; Align-GVGD: "Class C0"). In summary, the available evidence is currently insufficient to determine the role of this variant in disease. Therefore, it has been classified as a Variant of Uncertain Significance.

NM_003055.3(SLC18A3):c.595A>G (p.Met199Val)

Genes: CHAT (choline O-acetyltransferase; plus strand), SLC18A3 (solute carrier family 18 member A3; plus strand). Cytogenetic location: 10q11.23.
Variant type: single nucleotide variant.
Coding change: c.595A>G on transcript NM_003055.3 (MANE Select); coding-DNA position 595, A replaced by G.
Protein change: p.Met199Val; replaces methionine 199 with valine.
Molecular consequence: missense variant. On other transcripts: intron variant (1).
Genome position (GRCh38, 1-based): chr10:49,611,335, A>G. VCF-style: chr10-49611335-A-G. GRCh37 (hg19) VCF-style: chr10-50819381-A-G.
Other names: c.-69+2136A>G (NM_020984.4); short protein forms M199V.
Identifiers: ClinVar variation 2056335 (VCV002056335.3), dbSNP rs1446897176, ClinGen allele CA376719597.